The following is an entry in ClinVar:

NM_016343.4(CENPF):c.4189_4192del (p.Asp1397fs)

Gene: CENPF (centromere protein F; plus strand). Cytogenetic location: 1q41.
Variant type: Deletion.
Coding change: c.4189_4192del on transcript NM_016343.4 (MANE Select); coding-DNA positions 4189 to 4192, 4 bases deleted (GACA; older notation c.4189_4192delGACA).
Protein change: p.Asp1397fs; shifts the reading frame from aspartic acid 1397.
Molecular consequence: frameshift variant.
Genome position (GRCh38, 1-based): chr1:214,642,527-214,642,530, GACA deleted; deleting any 4 consecutive bases within chr1:214,642,525-214,642,530 gives the same sequence; the c. name uses the placement nearest the transcript's 3' end. VCF-style (leftmost placement, unchanged base first): chr1-214642524-TCAGA-T. GRCh37 (hg19) VCF-style: chr1-214815867-TCAGA-T.
Other names: short protein forms D1397fs.
Identifiers: ClinVar variation 623193 (VCV000623193.3), dbSNP rs776697039, ClinGen allele CA1390551.
Genomic context (GRCh38, chr1:214,642,524, plus strand): 5'-CAGCACCCTGTGTCTTTGGCTCCATTGGACGAGAGTAATTCCTACGAGCACTTGACATTG[TCAGA>T]CAAAGAAGTTCAAATGCACTTTGCCGAATTGCAAGAGAAATTCTTATCTTTACAAAGTGA-3'

ClinVar aggregate classification (germline): Likely pathogenic. Review status: criteria provided, multiple submitters, no conflicts (2 of 4 stars). 2 submissions from 2 submitters: Likely pathogenic (2). Last evaluated 2025-04-16.

Conditions:
Stromme syndrome (STROMS). Also called: Strømme Syndrome; Ciliary dyskinesia, primary, 31; APPLE PEEL SYNDROME WITH MICROCEPHALY AND OCULAR ANOMALIES. Identifiers: Orphanet 444069, Orphanet 506307, MedGen C1855705, MONDO:0009477, OMIM 243605.

Submissions (2):

Dasa
Classification: Likely pathogenic. Last evaluated: 2025-04-16. Review status: criteria provided, single submitter. Criteria: DASA Assertion Criteria. Collection method: clinical testing. Allele origin: germline.
Comment: NM_016343.4(CENPF):c.4189_4192del (p.Asp1397Lysfs*31) is a frameshift variant in CENPF predicted to alter the reading frame and introduce a premature termination codon and is predicted to result in an absent or altered protein product. Loss of function is an established disease mechanism for CENPF-associated disorders. Also, this variant is rare in population databases. Based on the currently available evidence, this variant is classified as likely pathogenic.

Molecular Diagnostics Laboratory, M Health Fairview: University of Minnesota
Classification: Likely pathogenic for Stromme syndrome. Last evaluated: 2018-06-14. Review status: criteria provided, single submitter. Criteria: ACMG Guidelines, 2015. Collection method: clinical testing. Allele origin: germline. Affected: yes. Observed: 1 variant allele.